The following is an entry in ClinVar:

ClinVar aggregate classification (germline): Uncertain significance (1 of 4 stars; one submission).

Submission:

Women's Health and Genetics/Laboratory Corporation of America, LabCorp
Classification: Uncertain significance. Last evaluated: 2016-04-01. Review status: criteria provided, single submitter. Criteria: LabCorp Variant Classification Summary - May 2015. Collection method: clinical testing. Allele origin: germline.
Comment: Variant Summary: The CDH1 c.818A>T variant involves the alteration of a conserved nucleotide and 4/4 in silico tools predict a pathogenic outcome. The variant is absent from the large, broad ExAC control population. The variant of interest has not, to our knowledge, been reported in affected individuals via publications and/or reputable databases/clinical laboratories; nor evaluated for functional impact by in vivo/vitro studies. Because of the absence of clinical information and the lack of functional studies, the variant was classified as a variant of uncertain significance (VUS) until additional information becomes available.

NM_004360.5(CDH1):c.818A>T (p.Glu273Val)

Gene: CDH1 (cadherin 1; plus strand). Cytogenetic location: 16q22.1.
Variant type: single nucleotide variant.
Coding change: c.818A>T on transcript NM_004360.5 (MANE Select); coding-DNA position 818, A replaced by T.
Protein change: p.Glu273Val; replaces glutamic acid 273 with valine.
Molecular consequence: missense variant. On other transcripts: 5 prime UTR variant (2).
Genome position (GRCh38, 1-based): chr16:68,810,327, A>T. VCF-style: chr16-68810327-A-T. GRCh37 (hg19) VCF-style: chr16-68844230-A-T.
Other names: c.818A>T (LRG_301t1); c.818A>T, p.Glu273Val (NM_001317184.2); c.-798A>T (NM_001317185.2); c.-1002A>T (NM_001317186.2); short protein forms E273V.
Identifiers: ClinVar variation 496236 (VCV000496236.1), dbSNP rs1555515467, ClinGen allele CA396458953.